The following is an entry in ClinVar:

NM_015340.4(LARS2):c.1596A>G (p.Arg532=)

Genes: LARS2-AS1 (LARS2 antisense RNA 1; minus strand), LARS2 (leucyl-tRNA synthetase 2, mitochondrial; plus strand). Cytogenetic location: 3p21.31.
Variant type: single nucleotide variant.
Coding change: c.1596A>G on transcript NM_015340.4 (MANE Select); coding-DNA position 1596, A replaced by G.
Protein change: p.Arg532=; no amino-acid change (arginine 532 retained).
Molecular consequence: synonymous variant.
Genome position (GRCh38, 1-based): chr3:45,496,347, A>G. VCF-style: chr3-45496347-A-G. GRCh37 (hg19) VCF-style: chr3-45537839-A-G.
Other names: c.1596A>G, p.Arg532= (NM_001368263.1).
Identifiers: ClinVar variation 5019314 (VCV005019314.2).

ClinVar aggregate classification (germline): Uncertain significance (1 of 4 stars; one submission).

Conditions:
Hydrops-lactic acidosis-sideroblastic anemia-multisystemic failure syndrome. Also called: Hydrops, lactic acidosis, and sideroblastic anemia. Identifiers: Orphanet 528091, MedGen C4310761, MONDO:0014869, OMIM 617021.
Perrault syndrome 4 (PRLTS4). Identifiers: Orphanet 2855, MedGen C3809105, MONDO:0014126, OMIM 615300.

Submission:

Juno Genomics, Hangzhou Juno Genomics, Inc
Classification: Uncertain significance for Hydrops-lactic acidosis-sideroblastic anemia-multisystemic failure syndrome; Perrault syndrome 4. Review status: criteria provided, single submitter. Criteria: ACMG Guidelines, 2015. Collection method: clinical testing. Allele origin: germline.
Comment: Absent from controls (or at extremely low frequency if recessive) in Genome Aggregation Database.;Multiple lines of computational evidence support a deleterious effect on the gene or gene product.